The following is an entry in ClinVar:

ClinVar aggregate classification (germline): Pathogenic/Likely pathogenic. Review status: criteria provided, multiple submitters, no conflicts (2 of 4 stars). 2 submissions from 2 submitters: Pathogenic (1); Likely pathogenic (1). Last evaluated 2026-01-12.

Conditions:
Wilson disease (WND). Also called: Wilson's disease. Identifiers: Orphanet 905, MedGen C0019202, MONDO:0010200, OMIM 277900. Disease mechanism: loss of function.

Submissions (2):

Labcorp Genetics (formerly Invitae), Labcorp
Classification: Pathogenic for Wilson disease. Last evaluated: 2026-01-12. Review status: criteria provided, single submitter. Criteria: Invitae Variant Classification Sherloc (09022015). Collection method: clinical testing. Allele origin: germline.
Comment: This sequence change creates a premature translational stop signal (p.Glu677Glyfs*78) in the ATP7B gene. It is expected to result in an absent or disrupted protein product. Loss-of-function variants in ATP7B are known to be pathogenic (PMID: 10441329, 16283883). This variant is present in population databases (no rsID available, gnomAD 0.003%). This variant has not been reported in the literature in individuals affected with ATP7B-related conditions. ClinVar contains an entry for this variant (Variation ID: 3381098). For these reasons, this variant has been classified as Pathogenic.

Mayo Clinic Laboratories, Mayo Clinic
Classification: Likely pathogenic. Last evaluated: 2024-03-15. Review status: criteria provided, single submitter. Criteria: ACMG Guidelines, 2015. Collection method: clinical testing. Allele origin: germline. Observed: 1 variant allele.
Comment: PM2, PVS1

Literature cited by the submitters: PubMed 10441329 (cited by Labcorp Genetics (formerly Invitae), Labcorp); PubMed 16283883 (cited by Labcorp Genetics (formerly Invitae), Labcorp).

NM_000053.4(ATP7B):c.2029dup (p.Glu677fs)

Gene: ATP7B (ATPase copper transporting beta; minus strand). Cytogenetic location: 13q14.3.
Variant type: Duplication.
Coding change: c.2029dup on transcript NM_000053.4 (MANE Select); coding-DNA position 2029, one base duplicated (G; older notation c.2029dupG).
Protein change: p.Glu677fs; shifts the reading frame from glutamic acid 677.
Molecular consequence: frameshift variant. On other transcripts: intron variant (13).
Genome position (GRCh38, 1-based): chr13:51,960,240, C duplicated on the plus strand (G on the coding strand, the reverse complement: ATP7B is on the minus strand). VCF-style (leftmost placement, unchanged base first): chr13-51960239-T-TC. GRCh37 (hg19) VCF-style: chr13-52534375-T-TC.
Other names: p.Glu677Glyfs*78; c.1933dup, p.Glu645fs (NM_001406518.1, NM_001406536.1, NM_001406530.1 and 1 more transcripts); c.2029dup, p.Glu677fs (NM_001406519.1, NM_001406520.1, NM_001406521.1 and 16 more transcripts); c.1996dup, p.Glu666fs (NM_001406524.1, NM_001406514.1); c.1696dup, p.Glu566fs (NM_001243182.2); c.1870-2633dup (NM_001406541.1, NM_001005918.3, NM_001406546.1 and 1 more transcripts); c.1870-1696dup (NM_001406531.1, NM_001406532.1, NM_001406540.1 and 1 more transcripts); c.1774-1696dup (NM_001406543.1); and 4 more; short protein forms E534fs, E566fs, E645fs, E666fs, E677fs.
Identifiers: ClinVar variation 3381098 (VCV003381098.2).
Genomic context (GRCh38, chr13:51,960,239, plus strand): 5'-AGATTTAGAATGGACAGTCCTGGAATGATGTTGTGGTCCAGGACCATGGACTGGTGGGGC[T>TC]CGTTGCTGGGTATCAGCATATAGATCATTAAGGCCATGACAGGGATGCCAAACACCAGGC-3'